The following is an entry in ClinVar:

NM_020461.4(TUBGCP6):c.1352C>T (p.Pro451Leu)

Gene: TUBGCP6 (tubulin gamma complex component 6; minus strand). Cytogenetic location: 22q13.33.
Variant type: single nucleotide variant.
Coding change: c.1352C>T on transcript NM_020461.4 (MANE Select); coding-DNA position 1352, C replaced by T.
Protein change: p.Pro451Leu; replaces proline 451 with leucine.
Molecular consequence: missense variant.
Genome position (GRCh38, 1-based): chr22:50,227,967, G>A on the plus strand (C>T on the coding strand, the complement: TUBGCP6 is on the minus strand). VCF-style: chr22-50227967-G-A. GRCh37 (hg19) VCF-style: chr22-50666396-G-A.
Other names: short protein forms P451L.
Identifiers: ClinVar variation 978549 (VCV000978549.6), dbSNP rs542258273, ClinGen allele CA10308732.

ClinVar aggregate classification (germline): Uncertain significance (1 of 4 stars; one submission).

Allele frequency attached by ClinVar (database versions not stated): gnomAD 0.00001 and 0.00002; gnomAD exomes 0.00002 and 0.00010; TOPMed 0.00006; 1000 Genomes Project 30x 0.00016; ExAC 0.00018; 1000 Genomes Project 0.00020.

Submission:

Labcorp Genetics (formerly Invitae), Labcorp
Classification: Uncertain significance. Last evaluated: 2026-01-19. Review status: criteria provided, single submitter. Criteria: Invitae Variant Classification Sherloc (09022015). Collection method: clinical testing. Allele origin: germline.
Comment: This sequence change replaces proline, which is neutral and non-polar, with leucine, which is neutral and non-polar, at codon 451 of the TUBGCP6 protein (p.Pro451Leu). This variant is present in population databases (rs542258273, gnomAD 0.06%). This variant has not been reported in the literature in individuals affected with TUBGCP6-related conditions. ClinVar contains an entry for this variant (Variation ID: 978549). An algorithm developed to predict the effect of missense changes on protein structure and function (PolyPhen-2) suggests that this variant is likely to be tolerated. In summary, the available evidence is currently insufficient to determine the role of this variant in disease. Therefore, it has been classified as a Variant of Uncertain Significance.